The following is an entry in ClinVar:

NM_001845.6(COL4A1):c.3713G>A (p.Arg1238His)

Gene: COL4A1 (collagen type IV alpha 1 chain; minus strand). Cytogenetic location: 13q34.
Variant type: single nucleotide variant.
Coding change: c.3713G>A on transcript NM_001845.6 (MANE Select); coding-DNA position 3713, G replaced by A.
Protein change: p.Arg1238His; replaces arginine 1238 with histidine.
Molecular consequence: missense variant.
Genome position (GRCh38, 1-based): chr13:110,170,576, C>T on the plus strand (G>A on the coding strand, the complement: COL4A1 is on the minus strand). VCF-style: chr13-110170576-C-T. GRCh37 (hg19) VCF-style: chr13-110822923-C-T.
Other names: c.3713G>A (NM_001845.4); short protein forms R1238H.
Identifiers: ClinVar variation 1656774 (VCV001656774.27), dbSNP rs146598127, ClinGen allele CA7047169.

ClinVar aggregate classification (germline): Likely benign. Review status: criteria provided, multiple submitters, no conflicts (2 of 4 stars). 4 submissions from 4 submitters: Likely benign (4). Last evaluated 2025-11-08.

Conditions:
Autosomal dominant familial hematuria-retinal arteriolar tortuosity-contractures syndrome. Also called: Angiopathy, hereditary, with nephropathy, aneurysms, and muscle cramps; Hereditary Angiopathy with Nephropathy, Aneurysms, and Muscle Cramps (HANAC) Syndrome. Identifiers: Orphanet 73229, MedGen C2673195, MONDO:0012726, OMIM 611773.
Brain small vessel disease 1 with or without ocular anomalies (BSVD1). Also called: PORENCEPHALY, TYPE 1, AUTOSOMAL DOMINANT; GOULD SYNDROME 1; BRAIN SMALL VESSEL DISEASE WITH HEMORRHAGE; Brain small vessel disease with or without ocular anomalies. Identifiers: Orphanet 2940, Orphanet 36383, Orphanet 99810, MedGen C4755307, MONDO:0008289, OMIM 175780.
Hemorrhage, intracerebral, susceptibility to (ICH). Also called: Stroke, hemorrhagic, susceptibility to. Identifiers: MedGen C3281105, MONDO:0100533, OMIM 614519.
Retinal arterial tortuosity. Also called: RETINAL HEMORRHAGE WITH VASCULAR TORTUOSITY; Retinal arteries, tortuosity of. Identifiers: Orphanet 75326, MedGen C0423401, MONDO:0008373, OMIM 180000, HP:0000631.
Microangiopathy and leukoencephalopathy, pontine, autosomal dominant. Also called: Pontine autosomal dominant microangiopathy with leukoencephalopathy; DEMENTIA, HEREDITARY MULTI-INFARCT, SWEDISH TYPE. Identifiers: Orphanet 477749, MedGen C5231411, MONDO:0032814, OMIM 618564.
Inborn genetic diseases. Identifiers: MedGen C0950123, MeSH D030342.

Allele frequency attached by ClinVar (database versions not stated): gnomAD 0.00001; TOPMed 0.00004; ExAC 0.00008; ESP Exome Variant Server 0.00008; gnomAD exomes 0.00008.
gnomAD v4.1: 44 of 1,607,754 alleles (0.0027%); highest among the groups gnomAD compares: Admixed American, 0.027%; no homozygotes.

Submissions (4):

Labcorp Genetics (formerly Invitae), Labcorp
Classification: Likely benign. Last evaluated: 2025-11-08. Review status: criteria provided, single submitter. Criteria: Invitae Variant Classification Sherloc (09022015). Collection method: clinical testing. Allele origin: germline.

CeGaT Center for Human Genetics Tuebingen
Classification: Likely benign. Last evaluated: 2025-04-01. Review status: criteria provided, single submitter. Criteria: CeGaT Center For Human Genetics Tuebingen Variant Classification Criteria Version 2. Collection method: clinical testing. Allele origin: germline. Affected: yes. Observed: 2 variant alleles.
Comment: COL4A1: BS1

Ambry Genetics
Classification: Likely benign for Inborn genetic diseases. Last evaluated: 2023-10-04. Review status: criteria provided, single submitter. Criteria: Ambry Variant Classification Scheme 2023. Collection method: clinical testing. Allele origin: germline.

Fulgent Genetics
Classification: Likely benign for Brain small vessel disease 1 with or without ocular anomalies; Retinal arterial tortuosity; Autosomal dominant familial hematuria-retinal arteriolar tortuosity-contractures syndrome; Hemorrhage, intracerebral, susceptibility to; Microangiopathy and leukoencephalopathy, pontine, autosomal dominant. Last evaluated: 2022-02-13. Review status: criteria provided, single submitter. Criteria: ACMG Guidelines, 2015. Collection method: clinical testing. Allele origin: unknown.